The following is an entry in ClinVar:

ClinVar aggregate classification (germline): Benign. Review status: criteria provided, multiple submitters, no conflicts (2 of 4 stars). 2 submissions from 2 submitters: Benign (2). Last evaluated 2021-07-14.

Conditions:
Myopathy, centronuclear, 2 (CNM2). Also called: MYOTUBULAR MYOPATHY, AUTOSOMAL RECESSIVE. Identifiers: Orphanet 169186, MedGen CN031787, MONDO:0009709, OMIM 255200.

Allele frequency attached by ClinVar (database versions not stated): gnomAD 0.33588 and 0.34169; 1000 Genomes Project 0.38438; TOPMed 0.34326; gnomAD exomes 0.36228; 1000 Genomes Project 30x 0.38492.

Submissions (2):

Genome-Nilou Lab
Classification: Benign for Myopathy, centronuclear, 2. Last evaluated: 2021-07-14. Review status: criteria provided, single submitter. Criteria: ACMG Guidelines, 2015. Collection method: clinical testing. Allele origin: germline. Affected: no.

GeneDx
Classification: Benign. Last evaluated: 2018-06-14. Review status: criteria provided, single submitter. Criteria: GeneDx Variant Classification (06012015). Collection method: clinical testing. Allele origin: germline. Affected: yes.
Comment: This variant is considered likely benign or benign based on one or more of the following criteria: it is a conservative change, it occurs at a poorly conserved position in the protein, it is predicted to be benign by multiple in silico algorithms, and/or has population frequency not consistent with disease.

NM_139343.3(BIN1):c.1132-126_1132-125dup

Gene: BIN1 (bridging integrator 1; minus strand). Cytogenetic location: 2q14.3.
Variant type: Duplication.
Coding change: c.1132-126_1132-125dup on transcript NM_139343.3 (MANE Select); 126 bases into the intron before coding-DNA position 1132 through 125 bases into the intron before coding-DNA position 1132, 2 bases duplicated (TG; older notation c.1132-126_1132-125dupTG).
Molecular consequence: intron variant.
Genome position (GRCh38, 1-based): chr2:127,054,137-127,054,138, CA duplicated on the plus strand (TG on the coding strand, the reverse complement: BIN1 is on the minus strand). VCF-style (leftmost placement, unchanged base first): chr2-127054136-G-GCA. GRCh37 (hg19) VCF-style: chr2-127811712-G-GCA.
Other names: c.1051-126_1051-125dup (NM_001320642.1); c.838-3226_838-3225dup (NM_001320634.1); c.910-3226_910-3225dup (NM_139351.3); c.910-2895_910-2894dup (NM_139350.3); c.910-1776_910-1775dup (NM_139349.3); c.1039-2895_1039-2894dup (NM_139348.3); c.1039-1776_1039-1775dup (NM_139347.3); c.1039-126_1039-125dup (NM_001320641.2); and 7 more.
Identifiers: ClinVar variation 678252 (VCV000678252.4), dbSNP rs35339559, ClinGen allele CA55340586.